The following is an entry in ClinVar:

ClinVar aggregate classification (germline): Uncertain significance (1 of 4 stars; one submission).

gnomAD v4.1: 1 of 1,614,102 alleles (0.000062%); highest among the groups gnomAD compares: Middle Eastern, 0.016%; no homozygotes.

Submission:

Labcorp Genetics (formerly Invitae), Labcorp
Classification: Uncertain significance. Last evaluated: 2025-12-22. Review status: criteria provided, single submitter. Criteria: Invitae Variant Classification Sherloc (09022015). Collection method: clinical testing. Allele origin: germline.
Comment: This sequence change replaces asparagine, which is neutral and polar, with serine, which is neutral and polar, at codon 657 of the KANK4 protein (p.Asn657Ser). This variant is not present in population databases (gnomAD no frequency). This variant has not been reported in the literature in individuals affected with KANK4-related conditions. An algorithm developed to predict the effect of missense changes on protein structure and function (PolyPhen-2) suggests that this variant is likely to be disruptive. Algorithms developed to predict the effect of sequence changes on RNA splicing suggest that this variant may disrupt the consensus splice site. In summary, the available evidence is currently insufficient to determine the role of this variant in disease. Therefore, it has been classified as a Variant of Uncertain Significance.

NM_181712.5(KANK4):c.1970A>G (p.Asn657Ser)

Gene: KANK4 (KN motif and ankyrin repeat domains 4; minus strand). Cytogenetic location: 1p31.3.
Variant type: single nucleotide variant.
Coding change: c.1970A>G on transcript NM_181712.5 (MANE Select); coding-DNA position 1970, A replaced by G.
Protein change: p.Asn657Ser; replaces asparagine 657 with serine.
Molecular consequence: missense variant.
Genome position (GRCh38, 1-based): chr1:62,271,520, T>C on the plus strand (A>G on the coding strand, the complement: KANK4 is on the minus strand). VCF-style: chr1-62271520-T-C. GRCh37 (hg19) VCF-style: chr1-62737192-T-C.
Other names: c.86A>G, p.Asn29Ser (NM_001320269.2); short protein forms N29S, N657S.
Identifiers: ClinVar variation 4762996 (VCV004762996.1).